The following is an entry in ClinVar:

ClinVar aggregate classification (germline): Uncertain significance (1 of 4 stars; one submission).

Conditions:
Distal hereditary motor neuropathy type 2. Identifiers: Orphanet 139525, MedGen C3711384, MeSH C580044, MONDO:0015352.

Submission:

Labcorp Genetics (formerly Invitae), Labcorp
Classification: Uncertain significance for Distal hereditary motor neuropathy type 2. Last evaluated: 2017-08-27. Review status: criteria provided, single submitter. Criteria: Invitae Variant Classification Sherloc (09022015). Collection method: clinical testing. Allele origin: germline.
Comment: In summary, the available evidence is currently insufficient to determine the role of this variant in disease. Therefore, it has been classified as a Variant of Uncertain Significance. Algorithms developed to predict the effect of missense changes on protein structure and function do not agree on the potential impact of this missense change (SIFT: "Deleterious"; PolyPhen-2: "Probably Damaging"; Align-GVGD: "Class C0"). This variant has not been reported in the literature in individuals with FBXO38-related disease. This variant is not present in population databases (ExAC no frequency). This sequence change replaces aspartic acid with glutamic acid at codon 597 of the FBXO38 protein (p.Asp597Glu). The aspartic acid residue is highly conserved and there is a small physicochemical difference between aspartic acid and glutamic acid.

NM_205836.3(FBXO38):c.1791T>G (p.Asp597Glu)

Gene: FBXO38 (F-box protein 38; plus strand). Cytogenetic location: 5q32.
Variant type: single nucleotide variant.
Coding change: c.1791T>G on transcript NM_205836.3 (MANE Select); coding-DNA position 1791, T replaced by G.
Protein change: p.Asp597Glu; replaces aspartic acid 597 with glutamic acid.
Molecular consequence: missense variant.
Genome position (GRCh38, 1-based): chr5:148,425,574, T>G. VCF-style: chr5-148425574-T-G. GRCh37 (hg19) VCF-style: chr5-147805137-T-G.
Other names: c.1791T>G, p.Asp597Glu (NM_001271723.2, NM_030793.5); short protein forms D597E.
Identifiers: ClinVar variation 541019 (VCV000541019.10), dbSNP rs1554081566, ClinGen allele CA361655437.